The following is an entry in ClinVar:

ClinVar aggregate classification (germline): Pathogenic (1 of 4 stars; one submission).

Conditions:
Arrhythmogenic right ventricular dysplasia 8 (ARVD8). Also called: Arrhythmogenic Right Ventricular Dysplasia/Cardiomyopathy 8; ARRHYTHMOGENIC RIGHT VENTRICULAR DYSPLASIA, FAMILIAL, 8; ARRHYTHMOGENIC RIGHT VENTRICULAR CARDIOMYOPATHY 8. Identifiers: MedGen C1843896, MONDO:0011831, OMIM 607450.
Arrhythmogenic cardiomyopathy with wooly hair and keratoderma. Also called: Dilated cardiomyopathy with woolly hair and keratoderma; Arrhythmogenic cardiomyopathy with woolly hair and keratoderma; PALMOPLANTAR KERATODERMA WITH LEFT VENTRICULAR CARDIOMYOPATHY AND WOOLLY HAIR; Carvajal syndrome. Identifiers: Orphanet 65282, MedGen C1854063, MONDO:0011581, OMIM 605676.

Submission:

Labcorp Genetics (formerly Invitae), Labcorp
Classification: Pathogenic for Arrhythmogenic cardiomyopathy with wooly hair and keratoderma; Arrhythmogenic right ventricular dysplasia 8. Last evaluated: 2023-12-11. Review status: criteria provided, single submitter. Criteria: Invitae Variant Classification Sherloc (09022015). Collection method: clinical testing. Allele origin: germline.
Comment: This sequence change creates a premature translational stop signal (p.Leu395Serfs*45) in the DSP gene. It is expected to result in an absent or disrupted protein product. Loss-of-function variants in DSP are known to be pathogenic (PMID: 20716751, 24503780, 25227139). This variant is not present in population databases (gnomAD no frequency). This variant has not been reported in the literature in individuals affected with DSP-related conditions. ClinVar contains an entry for this variant (Variation ID: 464958). For these reasons, this variant has been classified as Pathogenic.

Literature cited by the submitters: PubMed 20716751; PubMed 24503780; PubMed 25227139.

NM_004415.4(DSP):c.1182del (p.Leu395fs)

Gene: DSP (desmoplakin; plus strand). Cytogenetic location: 6p24.3.
Variant type: Deletion.
Coding change: c.1182del on transcript NM_004415.4 (MANE Select); coding-DNA position 1182, one base deleted (G; older notation c.1182delG).
Protein change: p.Leu395fs; shifts the reading frame from leucine 395.
Molecular consequence: frameshift variant.
Genome position (GRCh38, 1-based): chr6:7,567,822, G deleted; the last of 4 consecutive G bases (chr6:7,567,819-7,567,822); deleting any one gives the same sequence. VCF-style (leftmost placement, unchanged base first): chr6-7567818-AG-A. GRCh37 (hg19) VCF-style: chr6-7568051-AG-A.
Other names: c.1182del (LRG_423t1); c.1182del, p.Leu395fs (NM_001008844.3, NM_001319034.2); short protein forms L395fs.
Identifiers: ClinVar variation 464958 (VCV000464958.8), dbSNP rs1554106743, ClinGen allele CA658655928.